The following is an entry in ClinVar:

NM_000138.5(FBN1):c.6549T>A (p.Asn2183Lys)

Gene: FBN1 (fibrillin 1; minus strand). Cytogenetic location: 15q21.1.
Variant type: single nucleotide variant.
Coding change: c.6549T>A on transcript NM_000138.5 (MANE Select); coding-DNA position 6549, T replaced by A.
Protein change: p.Asn2183Lys; replaces asparagine 2183 with lysine.
Molecular consequence: missense variant.
Genome position (GRCh38, 1-based): chr15:48,434,661, A>T on the plus strand (T>A on the coding strand, the complement: FBN1 is on the minus strand). VCF-style: chr15-48434661-A-T. GRCh37 (hg19) VCF-style: chr15-48726858-A-T.
Other names: short protein forms N2183K.
Identifiers: ClinVar variation 457246 (VCV000457246.9), dbSNP rs752192006, ClinGen allele CA392335004.
Genomic context (GRCh38, chr15:48,434,661, plus strand): 5'-TGTCATCATTGGACCGGGCTCAAATCCCTCCTCGCAGGTGCATTCAAAACCTCCAATCAC[A>T]TTCTTGCAGGTTCCATTTCCACAAGGATTGCCAACAGAACATTCATCAGTATCTGCAAGA-3'
Protein context (NP_000129.3, residues 2173-2193): GNPCGNGTCK[Asn2183Lys]VIGGFECTCE

ClinVar aggregate classification (germline): Uncertain significance (1 of 4 stars; one submission).

Conditions:
Marfan syndrome (MFS). Also called: MARFAN SYNDROME, TYPE I; FBN1-Related Marfan Syndrome; Marfan syndrome type 1; Marfan's syndrome; Marfan syndrome, classic. Identifiers: Orphanet 284963, Orphanet 558, MedGen C0024796, MONDO:0007947, OMIM 154700.
Familial thoracic aortic aneurysm and aortic dissection (TAAD). Also called: Thoracic aortic aneurysms and dissections. Identifiers: Orphanet 91387, MedGen C4707243, MONDO:0019625.

Submission:

Labcorp Genetics (formerly Invitae), Labcorp
Classification: Uncertain significance for Marfan syndrome; Familial thoracic aortic aneurysm and aortic dissection. Last evaluated: 2019-08-19. Review status: criteria provided, single submitter. Criteria: Invitae Variant Classification Sherloc (09022015). Collection method: clinical testing. Allele origin: germline.
Comment: This sequence change replaces asparagine with lysine at codon 2183 of the FBN1 protein (p.Asn2183Lys). The asparagine residue is highly conserved and there is a moderate physicochemical difference between asparagine and lysine. This variant is not present in population databases (ExAC no frequency). This variant has not been reported in the literature in individuals with a FBN1-related disease. Algorithms developed to predict the effect of missense changes on protein structure and function do not agree on the potential impact of this missense change (SIFT: "Deleterious"; PolyPhen-2: "Probably Damaging"; Align-GVGD: "Class C0"). In summary, this variant has uncertain impact on FBN1 function. The available evidence is currently insufficient to determine its role in disease. Therefore, it has been classified as a Variant of Uncertain Significance.